The following is an entry in ClinVar:

ClinVar aggregate classification (germline): Pathogenic (1 of 4 stars; one submission).

Submission:

Labcorp Genetics (formerly Invitae), Labcorp
Classification: Pathogenic. Last evaluated: 2025-11-09. Review status: criteria provided, single submitter. Criteria: Invitae Variant Classification Sherloc (09022015). Collection method: clinical testing. Allele origin: germline.
Comment: This sequence change creates a premature translational stop signal (p.Tyr728*) in the FREM2 gene. It is expected to result in an absent or disrupted protein product. Loss-of-function variants in FREM2 are known to be pathogenic (PMID: 18203166, 26552811). This variant is not present in population databases (gnomAD no frequency). This variant has not been reported in the literature in individuals affected with FREM2-related conditions. For these reasons, this variant has been classified as Pathogenic.

Literature cited by the submitters: PubMed 18203166; PubMed 26552811.

NM_207361.6(FREM2):c.2180_2183dup (p.Tyr728Ter)

Gene: FREM2 (FRAS1 related extracellular matrix 2; plus strand). Cytogenetic location: 13q13.3.
Variant type: Duplication.
Coding change: c.2180_2183dup on transcript NM_207361.6 (MANE Select); coding-DNA positions 2180 to 2183, 4 bases duplicated (GCTA; older notation c.2180_2183dupGCTA).
Protein change: p.Tyr728Ter; replaces tyrosine 728 with a stop codon.
Molecular consequence: nonsense.
Genome position (GRCh38, 1-based): chr13:38,689,524-38,689,527, GCTA duplicated. VCF-style (leftmost placement, unchanged base first): chr13-38689523-C-CGCTA. GRCh37 (hg19) VCF-style: chr13-39263660-C-CGCTA.
Other names: short protein forms Y728*.
Identifiers: ClinVar variation 4730847 (VCV004730847.1).
Genomic context (GRCh38, chr13:38,689,523, plus strand): 5'-TGTCCCCTTCGTATGGTGGTACAGGAATCCCAGCTCACACCACTGAGGAAGAAGTGGCTG[C>CGCTA]GCTACACTGACCTGGACACAGATGACCGAGAACTACGTTACACAGTGACTCAGCCCCCCA-3'